The following is an entry in ClinVar:

ClinVar aggregate classification (germline): Uncertain significance (1 of 4 stars; one submission).

Conditions:
RASopathy. Also called: Noonan spectrum disorder; rasopathies. Identifiers: Orphanet 536391, MedGen C5555857, MONDO:0021060.

gnomAD v4.1: 2 of 1,548,768 alleles (0.00013%); highest among the groups gnomAD compares: Non-Finnish European, 0.00017%; no homozygotes.

Submission:

Labcorp Genetics (formerly Invitae), Labcorp
Classification: Uncertain significance for RASopathy. Last evaluated: 2024-08-13. Review status: criteria provided, single submitter. Criteria: Invitae Variant Classification Sherloc (09022015). Collection method: clinical testing. Allele origin: germline.
Comment: This sequence change replaces methionine, which is neutral and non-polar, with valine, which is neutral and non-polar, at codon 55 of the CBL protein (p.Met55Val). This variant is not present in population databases (gnomAD no frequency). This variant has not been reported in the literature in individuals affected with CBL-related conditions. Invitae Evidence Modeling of protein sequence and biophysical properties (such as structural, functional, and spatial information, amino acid conservation, physicochemical variation, residue mobility, and thermodynamic stability) has been performed for this missense variant. However, the output from this modeling did not meet the statistical confidence thresholds required to predict the impact of this variant on CBL protein function. In summary, the available evidence is currently insufficient to determine the role of this variant in disease. Therefore, it has been classified as a Variant of Uncertain Significance.

NM_005188.4(CBL):c.163A>G (p.Met55Val)

Genes: CBL (Cbl proto-oncogene; plus strand), LOC130006895 (ATAC-STARR-seq lymphoblastoid silent region 3975; plus strand). Cytogenetic location: 11q23.3.
Variant type: single nucleotide variant.
Coding change: c.163A>G on transcript NM_005188.4 (MANE Select); coding-DNA position 163, A replaced by G.
Protein change: p.Met55Val; replaces methionine 55 with valine.
Molecular consequence: missense variant.
Genome position (GRCh38, 1-based): chr11:119,206,580, A>G. VCF-style: chr11-119206580-A-G. GRCh37 (hg19) VCF-style: chr11-119077290-A-G.
Other names: short protein forms M55V.
Identifiers: ClinVar variation 3682359 (VCV003682359.2).